The following is an entry in ClinVar:

NM_004183.4(BEST1):c.133A>G (p.Ile45Val)

Gene: BEST1 (bestrophin 1; plus strand). Cytogenetic location: 11q12.3.
Variant type: single nucleotide variant.
Coding change: c.133A>G on transcript NM_004183.4 (MANE Select); coding-DNA position 133, A replaced by G.
Protein change: p.Ile45Val; replaces isoleucine 45 with valine.
Molecular consequence: missense variant. On other transcripts: non-coding transcript variant (1), intron variant (6).
Genome position (GRCh38, 1-based): chr11:61,951,939, A>G. VCF-style: chr11-61951939-A-G. GRCh37 (hg19) VCF-style: chr11-61719411-A-G.
Other names: c.133A>G, p.Ile45Val (NM_001363592.2, NM_001440571.1, NM_001440572.1 and 1 more transcripts); c.-29+1512A>G (NM_001139443.3, NM_001300787.2, NM_001440574.1 and 3 more transcripts); short protein forms I45V.
Identifiers: ClinVar variation 1899067 (VCV001899067.6), dbSNP rs1940711760, ClinGen allele CA380832054.
Genomic context (GRCh38, chr11:61,951,939, plus strand): 5'-CGGGGCAGCATCTACAAGCTGCTATATGGCGAGTTCTTAATCTTCCTGCTCTGCTACTAC[A>G]TCATCCGCTTTATTTATAGGTAAAGCTGGCAGGGCTGGGCCGGGGGGCCTGGGAAGGATG-3'
Protein context (NP_004174.1, residues 35-55): EFLIFLLCYY[Ile45Val]IRFIYRLALT

ClinVar aggregate classification (germline): Uncertain significance. Review status: criteria provided, multiple submitters, no conflicts (2 of 4 stars). 2 submissions from 2 submitters: Uncertain significance (2). Last evaluated 2024-11-13.

Conditions:
Inborn genetic diseases. Identifiers: MedGen C0950123, MeSH D030342.

Allele frequency attached by ClinVar (database versions not stated): gnomAD exomes below 0.00001; TOPMed below 0.00001; gnomAD 0.00001.
gnomAD v4.1: 2 of 1,613,386 alleles (0.00012%); highest among the groups gnomAD compares: Admixed American, 0.0033%; no homozygotes.

Submissions (2):

Labcorp Genetics (formerly Invitae), Labcorp
Classification: Uncertain significance. Last evaluated: 2024-11-13. Review status: criteria provided, single submitter. Criteria: Invitae Variant Classification Sherloc (09022015). Collection method: clinical testing. Allele origin: germline.
Comment: This sequence change replaces isoleucine, which is neutral and non-polar, with valine, which is neutral and non-polar, at codon 45 of the BEST1 protein (p.Ile45Val). This variant is not present in population databases (gnomAD no frequency). This variant has not been reported in the literature in individuals affected with BEST1-related conditions. ClinVar contains an entry for this variant (Variation ID: 1899067). Invitae Evidence Modeling of protein sequence and biophysical properties (such as structural, functional, and spatial information, amino acid conservation, physicochemical variation, residue mobility, and thermodynamic stability) has been performed for this missense variant. However, the output from this modeling did not meet the statistical confidence thresholds required to predict the impact of this variant on BEST1 protein function. In summary, the available evidence is currently insufficient to determine the role of this variant in disease. Therefore, it has been classified as a Variant of Uncertain Significance.

Ambry Genetics
Classification: Uncertain significance for Inborn genetic diseases. Last evaluated: 2024-03-07. Review status: criteria provided, single submitter. Criteria: Ambry Variant Classification Scheme 2023. Collection method: clinical testing. Allele origin: germline.